The following is an entry in ClinVar:

NM_000431.4(MVK):c.371+3G>A

Gene: MVK (mevalonate kinase; plus strand). Cytogenetic location: 12q24.11.
Variant type: single nucleotide variant.
Coding change: c.371+3G>A on transcript NM_000431.4 (MANE Select); 3 bases into the intron after coding-DNA position 371, G replaced by A.
Molecular consequence: intron variant.
Genome position (GRCh38, 1-based): chr12:109,579,949, G>A. VCF-style: chr12-109579949-G-A. GRCh37 (hg19) VCF-style: chr12-110017754-G-A.
Other names: c.371+3G>A (NM_001414511.1, NM_001414512.1, NM_001414513.1 and 3 more transcripts); c.-212+3G>A (NM_001414515.1).
Identifiers: ClinVar variation 4791034 (VCV004791034.1).
Genomic context (GRCh38, chr12:109,579,949, plus strand): 5'-AGCGCCTGGCTGTGCTGGCCTTTCTTTACTTATACCTGTCCATCTGCCGGAAGCAGAGGT[G>A]TGTGCGTGGTCTGGGGAAGGAGTCCAGATTCAGCCTCCCATGGAGAAAAAGGAAGAGTTT-3'

ClinVar aggregate classification (germline): Uncertain significance (1 of 4 stars; one submission).

Conditions:
Mevalonic aciduria (MEVA). Identifiers: Orphanet 29, MedGen C1959626, MONDO:0012481, OMIM 610377.
Hyperimmunoglobulin D with periodic fever (HIDS). Also called: HYPERIMMUNOGLOBULINEMIA D AND PERIODIC FEVER SYNDROME; Hyperimmunoglobulinemia D; Hyperimmunoglobulinemia D with periodic fever. Identifiers: Orphanet 343, MedGen C0398691, MONDO:0009849, OMIM 260920.
Porokeratosis 3, disseminated superficial actinic type (POROK3). Also called: POROKERATOSIS, DISSEMINATED SUPERFICIAL ACTINIC, 1; POROKERATOSIS 3, MULTIPLE TYPES; POROKERATOSIS 3, MIBELLI TYPE. Identifiers: MedGen C1867981, MONDO:0008293, OMIM 175900.

Submission:

Labcorp Genetics (formerly Invitae), Labcorp
Classification: Uncertain significance for Mevalonic aciduria; Hyperimmunoglobulin D with periodic fever; Porokeratosis 3, disseminated superficial actinic type. Last evaluated: 2026-02-02. Review status: criteria provided, single submitter. Criteria: Invitae Variant Classification Sherloc (09022015). Collection method: clinical testing. Allele origin: germline.
Comment: This sequence change falls in intron 4 of the MVK gene. It does not directly change the encoded amino acid sequence of the MVK protein. It affects a nucleotide within the consensus splice site. This variant is not present in population databases (gnomAD no frequency). This variant has not been reported in the literature in individuals affected with MVK-related conditions. Variants that disrupt the consensus splice site are a relatively common cause of aberrant splicing (PMID: 17576681, 9536098). Algorithms developed to predict the effect of sequence changes on RNA splicing suggest that this variant is not likely to affect RNA splicing. In summary, the available evidence is currently insufficient to determine the role of this variant in disease. Therefore, it has been classified as a Variant of Uncertain Significance.

Literature cited by the submitters: PubMed 17576681; PubMed 9536098.